The following is an entry in ClinVar:

ClinVar aggregate classification (germline): Uncertain significance. Review status: criteria provided, multiple submitters, no conflicts (2 of 4 stars). 2 submissions from 2 submitters: Uncertain significance (2). Last evaluated 2021-10-06.

Conditions:
Hereditary cancer-predisposing syndrome. Also called: Neoplastic Syndromes, Hereditary; Tumor predisposition; Hereditary Cancer Syndrome; Hereditary neoplastic syndrome. Identifiers: Orphanet 140162, MedGen C0027672, MeSH D009386, MONDO:0015356.
Familial adenomatous polyposis 1 (FAP1). Also called: FAMILIAL ADENOMATOUS POLYPOSIS 1, ATTENUATED; POLYPOSIS, ADENOMATOUS INTESTINAL. Identifiers: MedGen C2713442, MONDO:0021056, OMIM 175100. Disease mechanism: loss of function.

Submissions (2):

Labcorp Genetics (formerly Invitae), Labcorp
Classification: Uncertain significance for Familial adenomatous polyposis 1. Last evaluated: 2021-10-06. Review status: criteria provided, single submitter. Criteria: Invitae Variant Classification Sherloc (09022015). Collection method: clinical testing. Allele origin: germline.
Comment: In summary, the available evidence is currently insufficient to determine the role of this variant in disease. Therefore, it has been classified as a Variant of Uncertain Significance. Algorithms developed to predict the effect of missense changes on protein structure and function (SIFT, PolyPhen-2, Align-GVGD) all suggest that this variant is likely to be tolerated. ClinVar contains an entry for this variant (Variation ID: 819784). This variant has not been reported in the literature in individuals affected with APC-related conditions. This variant is not present in population databases (ExAC no frequency). This sequence change replaces valine with isoleucine at codon 557 of the APC protein (p.Val557Ile). The valine residue is highly conserved and there is a small physicochemical difference between valine and isoleucine.

Ambry Genetics
Classification: Uncertain significance for Hereditary cancer-predisposing syndrome. Last evaluated: 2019-08-29. Review status: criteria provided, single submitter. Criteria: Ambry Variant Classification Scheme 2023. Collection method: clinical testing. Allele origin: germline.
Comment: The p.V557I variant (also known as c.1669G>A), located in coding exon 13 of the APC gene, results from a G to A substitution at nucleotide position 1669. The valine at codon 557 is replaced by isoleucine, an amino acid with highly similar properties. This amino acid position is well conserved in available vertebrate species. In addition, in silico predictors for this gene do not accurately predict pathogenicity. Since supporting evidence is limited at this time, the clinical significance of this alteration remains unclear.

NM_000038.6(APC):c.1669G>A (p.Val557Ile)

Gene: APC (APC regulator of Wnt signaling pathway; plus strand). Cytogenetic location: 5q22.2.
Variant type: single nucleotide variant.
Coding change: c.1669G>A on transcript NM_000038.6 (MANE Select); coding-DNA position 1669, G replaced by A.
Protein change: p.Val557Ile; replaces valine 557 with isoleucine.
Molecular consequence: missense variant.
Genome position (GRCh38, 1-based): chr5:112,828,898, G>A. VCF-style: chr5-112828898-G-A. GRCh37 (hg19) VCF-style: chr5-112164595-G-A.
Other names: c.1291G>A, p.Val431Ile (NM_001354904.2); c.1189G>A, p.Val397Ile (NM_001354905.2); c.820G>A, p.Val274Ile (NM_001354906.2); c.1669G>A, p.Val557Ile (NM_001127510.3, NM_001354895.2); c.1615G>A, p.Val539Ile (NM_001127511.3); c.1723G>A, p.Val575Ile (NM_001354896.2); c.1699G>A, p.Val567Ile (NM_001354897.2); c.1594G>A, p.Val532Ile (NM_001354898.2); and 5 more; short protein forms V274I, V466I, V498I, V575I, V431I, V456I, V532I, V529I.
Identifiers: ClinVar variation 819784 (VCV000819784.10), dbSNP rs1580574426, ClinGen allele CA16024953.
Genomic context (GRCh38, chr5:112,828,898, plus strand): 5'-AAATTGATTAATTTGCAGGTTATTGCGAGTGTTTTGAGGAATTTGTCTTGGCGAGCAGAT[G>A]TAAATAGTAAAAAGACGTTGCGAGAAGTTGGAAGTGTGAAAGCATTGATGGAATGTGCTT-3'
Protein context (NP_000029.2, residues 547-567): VLRNLSWRAD[Val557Ile]NSKKTLREVG